The following is an entry in ClinVar:

NM_031935.3(HMCN1):c.14416T>C (p.Cys4806Arg)

Gene: HMCN1 (hemicentin 1; plus strand). Cytogenetic location: 1q31.1.
Variant type: single nucleotide variant.
Coding change: c.14416T>C on transcript NM_031935.3 (MANE Select); coding-DNA position 14416, T replaced by C.
Protein change: p.Cys4806Arg; replaces cysteine 4806 with arginine.
Molecular consequence: missense variant.
Genome position (GRCh38, 1-based): chr1:186,145,552, T>C. VCF-style: chr1-186145552-T-C. GRCh37 (hg19) VCF-style: chr1-186114684-T-C.
Other names: short protein forms C4806R.
Identifiers: ClinVar variation 1996041 (VCV001996041.4), dbSNP rs2528127668, ClinGen allele CA343916906.

ClinVar aggregate classification (germline): Uncertain significance (1 of 4 stars; one submission).

Allele frequency attached by ClinVar (database versions not stated): gnomAD exomes below 0.00001.
gnomAD v4.1: 1 of 1,614,048 alleles (0.000062%); highest among the groups gnomAD compares: Non-Finnish European, 0.000085%; no homozygotes.

Submission:

Labcorp Genetics (formerly Invitae), Labcorp
Classification: Uncertain significance. Last evaluated: 2022-11-01. Review status: criteria provided, single submitter. Criteria: Invitae Variant Classification Sherloc (09022015). Collection method: clinical testing. Allele origin: germline.
Comment: In summary, the available evidence is currently insufficient to determine the role of this variant in disease. Therefore, it has been classified as a Variant of Uncertain Significance. Algorithms developed to predict the effect of missense changes on protein structure and function (SIFT, PolyPhen-2, Align-GVGD) all suggest that this variant is likely to be disruptive. This variant has not been reported in the literature in individuals affected with HMCN1-related conditions. This variant is not present in population databases (gnomAD no frequency). This sequence change replaces cysteine, which is neutral and slightly polar, with arginine, which is basic and polar, at codon 4806 of the HMCN1 protein (p.Cys4806Arg).